The following is an entry in ClinVar:

ClinVar aggregate classification (germline): Uncertain significance. Review status: criteria provided, multiple submitters, no conflicts (2 of 4 stars). 3 submissions from 3 submitters: Uncertain significance (3). Last evaluated 2025-09-16.

Conditions:
Inborn genetic diseases. Identifiers: MedGen C0950123, MeSH D030342.

Allele frequency attached by ClinVar (database versions not stated): gnomAD 0.00001; TOPMed 0.00001.
gnomAD v4.1: 2 of 1,613,732 alleles (0.00012%); highest among the groups gnomAD compares: Non-Finnish European, 0.00017%; no homozygotes.

Submissions (3):

Labcorp Genetics (formerly Invitae), Labcorp
Classification: Uncertain significance. Last evaluated: 2025-09-16. Review status: criteria provided, single submitter. Criteria: Invitae Variant Classification Sherloc (09022015). Collection method: clinical testing. Allele origin: germline.
Comment: This sequence change replaces alanine, which is neutral and non-polar, with valine, which is neutral and non-polar, at codon 1057 of the SAMD9 protein (p.Ala1057Val). This variant is not present in population databases (gnomAD no frequency). This variant has not been reported in the literature in individuals affected with SAMD9-related conditions. ClinVar contains an entry for this variant (Variation ID: 1803537). Invitae Evidence Modeling of protein sequence and biophysical properties (such as structural, functional, and spatial information, amino acid conservation, physicochemical variation, residue mobility, and thermodynamic stability) indicates that this missense variant is not expected to disrupt SAMD9 protein function with a negative predictive value of 95%. In summary, the available evidence is currently insufficient to determine the role of this variant in disease. Therefore, it has been classified as a Variant of Uncertain Significance.

Ambry Genetics
Classification: Uncertain significance for Inborn genetic diseases. Last evaluated: 2025-03-20. Review status: criteria provided, single submitter. Criteria: Ambry Variant Classification Scheme 2023. Collection method: clinical testing. Allele origin: germline.
Comment: The p.A1057V variant (also known as c.3170C>T), located in coding exon 1 of the SAMD9 gene, results from a C to T substitution at nucleotide position 3170. The alanine at codon 1057 is replaced by valine, an amino acid with similar properties. This amino acid position is conserved. In addition, this alteration is predicted to be tolerated by in silico analysis. Based on the available evidence, the clinical significance of this variant remains unclear.

GeneDx
Classification: Uncertain significance. Last evaluated: 2022-06-10. Review status: criteria provided, single submitter. Criteria: GeneDx Variant Classification Process June 2021. Collection method: clinical testing. Allele origin: germline. Affected: yes.
Comment: Not observed at significant frequency in large population cohorts (gnomAD); In silico analysis supports that this missense variant does not alter protein structure/function; Has not been previously published as pathogenic or benign to our knowledge

NM_017654.4(SAMD9):c.3170C>T (p.Ala1057Val)

Gene: SAMD9 (sterile alpha motif domain containing 9; minus strand). Cytogenetic location: 7q21.2.
Variant type: single nucleotide variant.
Coding change: c.3170C>T on transcript NM_017654.4 (MANE Select); coding-DNA position 3170, C replaced by T.
Protein change: p.Ala1057Val; replaces alanine 1057 with valine.
Molecular consequence: missense variant.
Genome position (GRCh38, 1-based): chr7:93,102,928, G>A on the plus strand (C>T on the coding strand, the complement: SAMD9 is on the minus strand). VCF-style: chr7-93102928-G-A. GRCh37 (hg19) VCF-style: chr7-92732241-G-A.
Other names: c.3170C>T, p.Ala1057Val (NM_001193307.2); short protein forms A1057V.
Identifiers: ClinVar variation 1803537 (VCV001803537.4), dbSNP rs889561142, ClinGen allele CA161990802.
Genomic context (GRCh38, chr7:93,102,928, plus strand): 5'-CGATGGATACTTTCAAGCAATACAGCTTCAACTGCTTCATTTCCTTCATCTTTATGTAAT[G>A]CTTCAATAAATGGGGAAAACCAATTTCCTGTTTCACCTTCATGTTCATCGCGGTGTCTTG-3'
Protein context (NP_060124.2, residues 1047-1067): TGNWFSPFIE[Ala1057Val]LHKDEGNEAV